The following is an entry in ClinVar:

NM_007327.4(GRIN1):c.2568C>G (p.Asn856Lys)

Gene: GRIN1 (glutamate ionotropic receptor NMDA type subunit 1; plus strand). Cytogenetic location: 9q34.3.
Variant type: single nucleotide variant.
Coding change: c.2568C>G on transcript NM_007327.4 (MANE Select); coding-DNA position 2568, C replaced by G.
Protein change: p.Asn856Lys; replaces asparagine 856 with lysine.
Molecular consequence: missense variant.
Genome position (GRCh38, 1-based): chr9:137,163,883, C>G. VCF-style: chr9-137163883-C-G. GRCh37 (hg19) VCF-style: chr9-140058335-C-G.
Other names: c.2568C>G, p.Asn856Lys (NM_000832.7, NM_021569.4); c.2631C>G, p.Asn877Lys (NM_001185090.2, NM_001185091.2, NM_001437330.1 and 1 more transcripts); short protein forms N856K, N877K.
Identifiers: ClinVar variation 4532123 (VCV004532123.1).

ClinVar aggregate classification (germline): Uncertain significance (1 of 4 stars; one submission).

Conditions:
Neurodevelopmental disorder with or without hyperkinetic movements and seizures, autosomal dominant. Also called: Intellectual disability, autosomal dominant 8. Identifiers: MedGen C3280282, MONDO:0013655, OMIM 614254.

Submission:

Victorian Clinical Genetics Services, Murdoch Childrens Research Institute
Classification: Uncertain significance for Neurodevelopmental disorder with or without hyperkinetic movements and seizures, autosomal dominant. Last evaluated: 2024-10-14. Review status: criteria provided, single submitter. Criteria: ACMG Guidelines, 2015. Collection method: clinical testing. Allele origin: germline. Affected: yes.
Comment: This variant is classified as VUS-3B. Evidence in support of pathogenic classification: Variant is absent from gnomAD (v2, v3 and v4). Additional information: Variant is predicted to result in a missense amino acid change from asparagine to lysine; This variant is heterozygous; This gene is associated with both recessive and dominant disease. Missense located mostly in the N-terminal domain and NMD-predicted variants tend to be associated with autosomal recessive disease and a loss of function mechanism. Missense variants with gain of function and dominant negative consequences on protein function, usually found in the C-terminal domain, tend to be associated with dominant disease (PMIDs: 27164704, 29365063, OMIM). - This variant has no previous evidence of pathogenicity; No published segregation evidence has been identified for this variant; No published functional evidence has been identified for this variant; No comparable missense variants have previous evidence for pathogenicity; Variant is not located in an established domain, motif, hotspot or informative constraint region; Missense variant with conflicting in silico predictions and uninformative conservation; Dominant negative, loss of function and gain of function are reported mechanisms of disease in this gene and have been associated with both autosomal dominant and recessive neurodevelopmental disorder with or without hyperkinetic movements and seizures (MIM#614254, MIM#617820) and autosomal recessive developmental and epileptic encephalopathy 101 (MIM#619814). (I) - Inheritance information for this variant is not currently available in this individual.

Literature cited by the submitters: PubMed 27164704; PubMed 29365063.